The following is an entry in ClinVar:

ClinVar aggregate classification (germline): Uncertain significance. Review status: criteria provided, multiple submitters, no conflicts (2 of 4 stars). 2 submissions from 2 submitters: Uncertain significance (2). Last evaluated 2025-08-23.

Conditions:
Inborn genetic diseases. Identifiers: MedGen C0950123, MeSH D030342.

Allele frequency attached by ClinVar (database versions not stated): gnomAD exomes below 0.00001 and 0.00001.
gnomAD v4.1: 2 of 1,613,858 alleles (0.00012%); highest among the groups gnomAD compares: East Asian, 0.0045%; no homozygotes.

Submissions (2):

Ambry Genetics
Classification: Uncertain significance for Inborn genetic diseases. Last evaluated: 2025-08-23. Review status: criteria provided, single submitter. Criteria: Ambry Variant Classification Scheme 2023. Collection method: clinical testing. Allele origin: germline.

Labcorp Genetics (formerly Invitae), Labcorp
Classification: Uncertain significance. Last evaluated: 2022-08-16. Review status: criteria provided, single submitter. Criteria: Invitae Variant Classification Sherloc (09022015). Collection method: clinical testing. Allele origin: germline.
Comment: In summary, the available evidence is currently insufficient to determine the role of this variant in disease. Therefore, it has been classified as a Variant of Uncertain Significance. Algorithms developed to predict the effect of missense changes on protein structure and function (SIFT, PolyPhen-2, Align-GVGD) all suggest that this variant is likely to be tolerated. ClinVar contains an entry for this variant (Variation ID: 1523185). This variant has not been reported in the literature in individuals affected with VCAN-related conditions. This variant is present in population databases (no rsID available, gnomAD 0.01%). This sequence change replaces glutamic acid, which is acidic and polar, with lysine, which is basic and polar, at codon 2526 of the VCAN protein (p.Glu2526Lys).

NM_004385.5(VCAN):c.7576G>A (p.Glu2526Lys)

Genes: VCAN (versican; plus strand), VCAN-AS1 (VCAN antisense RNA 1; minus strand). Cytogenetic location: 5q14.3.
Variant type: single nucleotide variant.
Coding change: c.7576G>A on transcript NM_004385.5 (MANE Select); coding-DNA position 7576, G replaced by A.
Protein change: p.Glu2526Lys; replaces glutamic acid 2526 with lysine.
Molecular consequence: missense variant. On other transcripts: intron variant (2).
Genome position (GRCh38, 1-based): chr5:83,540,579, G>A. VCF-style: chr5-83540579-G-A. GRCh37 (hg19) VCF-style: chr5-82836398-G-A.
Other names: c.4615G>A, p.Glu1539Lys (NM_001164097.2); c.4004-4958G>A (NM_001164098.2); c.1043-4958G>A (NM_001126336.3); c.7576G>A (NM_004385.4); short protein forms E2526K, E1539K.
Identifiers: ClinVar variation 1523185 (VCV001523185.9), dbSNP rs1180098173, ClinGen allele CA360315025.
Genomic context (GRCh38, chr5:83,540,579, plus strand): 5'-CTGTCAAATACAGTGTCATATGAGAGGTCCACAGACGGTAGTTTCCAAGACCGTTTCAGG[G>A]AATTCGAGGATTCCACCTTAAAACCTAACAGAAAAAAACCCACTGAAAATATTATCATAG-3'
Protein context (NP_004376.2, residues 2516-2536): TDGSFQDRFR[Glu2526Lys]FEDSTLKPNR